The following is an entry in ClinVar:

NM_005228.5(EGFR):c.1940C>T (p.Ala647Val)

Gene: EGFR (epidermal growth factor receptor; plus strand). Cytogenetic location: 7p11.2.
Variant type: single nucleotide variant.
Coding change: c.1940C>T on transcript NM_005228.5 (MANE Select); coding-DNA position 1940, C replaced by T.
Protein change: p.Ala647Val; replaces alanine 647 with valine.
Molecular consequence: missense variant.
Genome position (GRCh38, 1-based): chr7:55,173,003, C>T. VCF-style: chr7-55173003-C-T. GRCh37 (hg19) VCF-style: chr7-55240696-C-T.
Other names: c.1805C>T, p.Ala602Val (NM_001346897.2, NM_001346899.2); c.1940C>T, p.Ala647Val (NM_001346898.2); c.1139C>T, p.Ala380Val (NM_001346941.2); c.1781C>T, p.Ala594Val (NM_001346900.2); short protein forms A602V, A594V, A380V, A647V.
Identifiers: ClinVar variation 4016681 (VCV004016681.1).

ClinVar aggregate classification (germline): Uncertain significance (1 of 4 stars; one submission).

Conditions:
Hereditary cancer-predisposing syndrome. Also called: Tumor predisposition; Hereditary neoplastic syndrome; Neoplastic Syndromes, Hereditary; Hereditary Cancer Syndrome. Identifiers: Orphanet 140162, MedGen C0027672, MeSH D009386, MONDO:0015356.

Submission:

Ambry Genetics
Classification: Uncertain significance for Hereditary cancer-predisposing syndrome. Last evaluated: 2025-03-24. Review status: criteria provided, single submitter. Criteria: Ambry Variant Classification Scheme 2023. Collection method: clinical testing. Allele origin: germline.
Comment: The p.A647V variant (also known as c.1940C>T), located in coding exon 17 of the EGFR gene, results from a C to T substitution at nucleotide position 1940. The alanine at codon 647 is replaced by valine, an amino acid with similar properties. This amino acid position is highly conserved in available vertebrate species. In addition, the in silico prediction for this alteration is inconclusive. Based on the available evidence, the clinical significance of this variant remains unclear.